The following is an entry in ClinVar:

NM_182641.4(BPTF):c.6562G>C (p.Val2188Leu)

Gene: BPTF (bromodomain PHD finger transcription factor; plus strand). Cytogenetic location: 17q24.2.
Variant type: single nucleotide variant.
Coding change: c.6562G>C on transcript NM_182641.4 (MANE Select); coding-DNA position 6562, G replaced by C.
Protein change: p.Val2188Leu; replaces valine 2188 with leucine.
Molecular consequence: missense variant.
Genome position (GRCh38, 1-based): chr17:67,944,234, G>C. VCF-style: chr17-67944234-G-C. GRCh37 (hg19) VCF-style: chr17-65940350-G-C.
Other names: c.6940G>C, p.Val2314Leu (NM_004459.7); short protein forms V2188L, V2314L.
Identifiers: ClinVar variation 3373173 (VCV003373173.2).

ClinVar aggregate classification (germline): Uncertain significance (1 of 4 stars; one submission).

gnomAD v4.1: 2 of 1,614,036 alleles (0.00012%); highest among the groups gnomAD compares: East Asian, 0.0022%; no homozygotes.

Submission:

GeneDx
Classification: Uncertain significance. Last evaluated: 2026-10-15. Review status: criteria provided, single submitter. Criteria: GeneDx Variant Classification Process June 2021. Collection method: clinical testing. Allele origin: germline.
Comment: Not observed at significant frequency in large population cohorts (gnomAD); In silico analysis indicates that this missense variant does not alter protein structure/function; Has not been previously published as pathogenic or benign to our knowledge